The following is an entry in ClinVar:

ClinVar aggregate classification (germline): Uncertain significance (1 of 4 stars; one submission).

Conditions:
Hereditary cancer-predisposing syndrome. Also called: Tumor predisposition; Hereditary neoplastic syndrome; Hereditary Cancer Syndrome; Neoplastic Syndromes, Hereditary. Identifiers: Orphanet 140162, MedGen C0027672, MeSH D009386, MONDO:0015356.

gnomAD v4.1: 1 of 1,613,928 alleles (0.000062%); highest among the groups gnomAD compares: Non-Finnish European, 0.000085%; no homozygotes.

Submission:

Ambry Genetics
Classification: Uncertain significance for Hereditary cancer-predisposing syndrome. Last evaluated: 2025-06-03. Review status: criteria provided, single submitter. Criteria: Ambry Variant Classification Scheme 2023. Collection method: clinical testing. Allele origin: germline.
Comment: The p.D419N variant (also known as c.1255G>A), located in coding exon 8 of the PDGFRA gene, results from a G to A substitution at nucleotide position 1255. The aspartic acid at codon 419 is replaced by asparagine, an amino acid with highly similar properties. This amino acid position is well conserved in available vertebrate species. In addition, this alteration is predicted to be tolerated by in silico analysis. Based on the available evidence, the clinical significance of this variant remains unclear.

NM_006206.6(PDGFRA):c.1255G>A (p.Asp419Asn)

Gene: PDGFRA (platelet derived growth factor receptor alpha; plus strand). Cytogenetic location: 4q12.
Variant type: single nucleotide variant.
Coding change: c.1255G>A on transcript NM_006206.6 (MANE Select); coding-DNA position 1255, G replaced by A.
Protein change: p.Asp419Asn; replaces aspartic acid 419 with asparagine.
Molecular consequence: missense variant.
Genome position (GRCh38, 1-based): chr4:54,272,411, G>A. VCF-style: chr4-54272411-G-A. GRCh37 (hg19) VCF-style: chr4-55138578-G-A.
Other names: c.1255G>A, p.Asp419Asn (NM_001347827.2, NM_001347829.2); c.1330G>A, p.Asp444Asn (NM_001347828.2); c.1294G>A, p.Asp432Asn (NM_001347830.2); short protein forms D419N, D432N, D444N.
Identifiers: ClinVar variation 3930224 (VCV003930224.1).